The following is an entry in ClinVar:

NM_012469.4(PRPF6):c.2430C>T (p.Ser810=)

Gene: PRPF6 (pre-mRNA processing factor 6; plus strand). Cytogenetic location: 20q13.33.
Variant type: single nucleotide variant.
Coding change: c.2430C>T on transcript NM_012469.4 (MANE Select); coding-DNA position 2430, C replaced by T.
Protein change: p.Ser810=; no amino-acid change (serine 810 retained).
Molecular consequence: synonymous variant.
Genome position (GRCh38, 1-based): chr20:64,028,568, C>T. VCF-style: chr20-64028568-C-T. GRCh37 (hg19) VCF-style: chr20-62659921-C-T.
Identifiers: ClinVar variation 1061690 (VCV001061690.8), dbSNP rs149233905, ClinGen allele CA9972464.

ClinVar aggregate classification (germline): Conflicting classifications of pathogenicity. Review status: criteria provided, conflicting classifications (1 of 4 stars). 2 submissions from 2 submitters: Uncertain significance (1); Likely benign (1). Last evaluated 2025-10-06.

Allele frequency attached by ClinVar (database versions not stated): gnomAD exomes 0.00002 and 0.00004; ExAC 0.00008; ESP Exome Variant Server 0.00008; gnomAD 0.00008 and 0.00009; TOPMed 0.00008; 1000 Genomes Project 0.00060.
gnomAD v4.1: 46 of 1,609,102 alleles (0.0029%); highest among the groups gnomAD compares: African/African-American, 0.028%; no homozygotes.

Submissions (2):

Labcorp Genetics (formerly Invitae), Labcorp
Classification: Uncertain significance. Last evaluated: 2025-10-06. Review status: criteria provided, single submitter. Criteria: Invitae Variant Classification Sherloc (09022015). Collection method: clinical testing. Allele origin: germline.
Comment: This sequence change affects codon 810 of the PRPF6 mRNA. It is a 'silent' change, meaning that it does not change the encoded amino acid sequence of the PRPF6 protein. It affects a nucleotide within the consensus splice site. This variant is present in population databases (rs149233905, gnomAD 0.01%). This variant has not been reported in the literature in individuals affected with PRPF6-related conditions. ClinVar contains an entry for this variant (Variation ID: 1061690). Algorithms developed to predict the effect of sequence changes on RNA splicing suggest that this variant is not likely to affect RNA splicing. In summary, the available evidence is currently insufficient to determine the role of this variant in disease. Therefore, it has been classified as a Variant of Uncertain Significance.

Blueprint Genetics
Classification: Likely benign. Last evaluated: 2024-04-12. Review status: criteria provided, single submitter. Criteria: ACMG Guidelines, 2015. Collection method: clinical testing. Allele origin: germline.